The following is an entry in ClinVar:

ClinVar aggregate classification (germline): Uncertain significance (1 of 4 stars; one submission).

Conditions:
Inborn genetic diseases. Identifiers: MedGen C0950123, MeSH D030342.

Submission:

Ambry Genetics
Classification: Uncertain significance for Inborn genetic diseases. Last evaluated: 2025-06-15. Review status: criteria provided, single submitter. Criteria: Ambry Variant Classification Scheme 2023. Collection method: clinical testing. Allele origin: germline.
Comment: The p.E99D variant (also known as c.297A>C), located in coding exon 3 of the SBDS gene, results from an A to C substitution at nucleotide position 297. The glutamic acid at codon 99 is replaced by aspartic acid, an amino acid with highly similar properties. This amino acid position is conserved. In addition, the in silico prediction for this alteration is inconclusive. Based on the available evidence, the clinical significance of this variant remains unclear.

NM_016038.4(SBDS):c.297A>C (p.Glu99Asp)

Gene: SBDS (SBDS ribosome maturation factor; minus strand). Cytogenetic location: 7q11.21.
Variant type: single nucleotide variant.
Coding change: c.297A>C on transcript NM_016038.4 (MANE Select); coding-DNA position 297, A replaced by C.
Protein change: p.Glu99Asp; replaces glutamic acid 99 with aspartic acid.
Molecular consequence: missense variant.
Genome position (GRCh38, 1-based): chr7:66,993,379, T>G on the plus strand (A>C on the coding strand, the complement: SBDS is on the minus strand). VCF-style: chr7-66993379-T-G. GRCh37 (hg19) VCF-style: chr7-66458366-T-G.
Other names: short protein forms E99D.
Identifiers: ClinVar variation 4159792 (VCV004159792.1).